The following is an entry in ClinVar:

ClinVar aggregate classification (germline): Benign/Likely benign. Review status: criteria provided, multiple submitters, no conflicts (2 of 4 stars). 3 submissions from 3 submitters: Benign (2); Likely benign (1). Last evaluated 2026-02-01.

Conditions:
Fraser syndrome 2 (FRASRS2). Identifiers: MedGen C4540036, MONDO:0054738, OMIM 617666.

Allele frequency attached by ClinVar (database versions not stated): ESP Exome Variant Server 0.00008; gnomAD 0.00073 and 0.00116; TOPMed 0.00093; gnomAD exomes 0.00120 and 0.00151; ExAC 0.00173; 1000 Genomes Project 30x 0.00500; 1000 Genomes Project 0.00579.
gnomAD v4.1: 1,965 of 1,614,092 alleles (0.12%); highest among the groups gnomAD compares: East Asian, 3.9%; 42 homozygotes.

Submissions (3):

Labcorp Genetics (formerly Invitae), Labcorp
Classification: Benign. Last evaluated: 2026-02-01. Review status: criteria provided, single submitter. Criteria: Invitae Variant Classification Sherloc (09022015). Collection method: clinical testing. Allele origin: germline.

Blueprint Genetics
Classification: Likely benign. Last evaluated: 2024-11-04. Review status: criteria provided, single submitter. Criteria: ACMG Guidelines, 2015. Collection method: clinical testing. Allele origin: germline.

Illumina Laboratory Services, Illumina
Classification: Benign for Fraser syndrome 2. Last evaluated: 2017-04-27. Review status: criteria provided, single submitter. Criteria: ICSL Variant Classification Criteria 13 December 2019. Collection method: clinical testing. Allele origin: germline.
Comment: This variant was observed as part of a predisposition screen in an ostensibly healthy population. A literature search was performed for the gene, cDNA change, and amino acid change (where applicable). No publications were found based on this search. Allele frequency data from public databases was too high to be consistent with this variant causing disease. Therefore, this variant is classified as benign.

NM_207361.6(FREM2):c.4916G>A (p.Arg1639Lys)

Gene: FREM2 (FRAS1 related extracellular matrix 2; plus strand). Cytogenetic location: 13q13.3.
Variant type: single nucleotide variant.
Coding change: c.4916G>A on transcript NM_207361.6 (MANE Select); coding-DNA position 4916, G replaced by A.
Protein change: p.Arg1639Lys; replaces arginine 1639 with lysine.
Molecular consequence: missense variant.
Genome position (GRCh38, 1-based): chr13:38,692,260, G>A. VCF-style: chr13-38692260-G-A. GRCh37 (hg19) VCF-style: chr13-39266397-G-A.
Other names: short protein forms R1639K.
Identifiers: ClinVar variation 703098 (VCV000703098.16), dbSNP rs77886481, ClinGen allele CA6955097.
Genomic context (GRCh38, chr13:38,692,260, plus strand): 5'-CAGTGACTGATGGCACCCATACAGACTTCTATGTTTTTCCTGATACGGTGTTTGAAACAA[G>A]GAGACCCCAAGTGATGAAGATCCAGGTCTTGGCTGTTGACAACAGTGTCCCCCAAATCGC-3'
Protein context (NP_997244.4, residues 1629-1649): YVFPDTVFET[Arg1639Lys]RPQVMKIQVL